The following is an entry in ClinVar:

NM_006978.3(RNF113A):c.93A>T (p.Arg31Ser)

Genes: RNF113A (ring finger protein 113A; minus strand), LOC130068621 (ATAC-STARR-seq lymphoblastoid active region 29902; plus strand). Cytogenetic location: Xq24.
Variant type: single nucleotide variant.
Coding change: c.93A>T on transcript NM_006978.3 (MANE Select); coding-DNA position 93, A replaced by T.
Protein change: p.Arg31Ser; replaces arginine 31 with serine.
Molecular consequence: missense variant.
Genome position (GRCh38, 1-based): chrX:119,871,521, T>A on the plus strand (A>T on the coding strand, the complement: RNF113A is on the minus strand). VCF-style: chrX-119871521-T-A. GRCh37 (hg19) VCF-style: chrX-119005484-T-A.
Other names: short protein forms R31S.
Identifiers: ClinVar variation 1423391 (VCV001423391.8), dbSNP rs2147812709, ClinGen allele CA414189430.
Genomic context (GRCh38, chrX:119,871,521, plus strand): 5'-GCAGCCTTCGTCGCTACTGCTGCCGCTTTCTCCGGGCTCTGGGTCGCAGGCCGGGCGCTT[T>A]CTGCGTCCAGCAGCCCCTTTCCGCCCAGGCTTTTTGAAAAGGAAGGTGCACACCTGATCC-3'
Protein context (NP_008909.1, residues 21-41): KPGRKGAAGR[Arg31Ser]KRPACDPEPG

ClinVar aggregate classification (germline): Uncertain significance (1 of 4 stars; one submission).

Submission:

Labcorp Genetics (formerly Invitae), Labcorp
Classification: Uncertain significance. Last evaluated: 2022-09-01. Review status: criteria provided, single submitter. Criteria: Invitae Variant Classification Sherloc (09022015). Collection method: clinical testing. Allele origin: germline.
Comment: Algorithms developed to predict the effect of missense changes on protein structure and function are either unavailable or do not agree on the potential impact of this missense change (SIFT: "Deleterious"; PolyPhen-2: "Probably Damaging"; Align-GVGD: "Class C0"). In summary, the available evidence is currently insufficient to determine the role of this variant in disease. Therefore, it has been classified as a Variant of Uncertain Significance. ClinVar contains an entry for this variant (Variation ID: 1423391). This variant has not been reported in the literature in individuals affected with RNF113A-related conditions. This variant is not present in population databases (gnomAD no frequency). This sequence change replaces arginine, which is basic and polar, with serine, which is neutral and polar, at codon 31 of the RNF113A protein (p.Arg31Ser).